The following is an entry in ClinVar:

ClinVar aggregate classification (germline): Uncertain significance (1 of 4 stars; one submission).

gnomAD v4.1: 1 of 1,613,740 alleles (0.000062%); highest among the groups gnomAD compares: Non-Finnish European, 0.000085%; no homozygotes.

Submission:

GeneDx
Classification: Uncertain significance. Last evaluated: 2026-07-11. Review status: criteria provided, single submitter. Criteria: GeneDx Variant Classification Process June 2021. Collection method: clinical testing. Allele origin: germline.
Comment: Not observed at significant frequency in large population cohorts (gnomAD); In silico analysis supports that this missense variant has a deleterious effect on protein structure/function; Has not been previously published as pathogenic or benign to our knowledge

NM_002911.4(UPF1):c.889G>A (p.Glu297Lys)

Gene: UPF1 (UPF1 RNA helicase and ATPase; plus strand). Cytogenetic location: 19p13.11.
Variant type: single nucleotide variant.
Coding change: c.889G>A on transcript NM_002911.4 (MANE Select); coding-DNA position 889, G replaced by A.
Protein change: p.Glu297Lys; replaces glutamic acid 297 with lysine.
Molecular consequence: missense variant.
Genome position (GRCh38, 1-based): chr19:18,852,213, G>A. VCF-style: chr19-18852213-G-A. GRCh37 (hg19) VCF-style: chr19-18963022-G-A.
Other names: c.889G>A, p.Glu297Lys (NM_001297549.2); short protein forms E297K.
Identifiers: ClinVar variation 4087941 (VCV004087941.2).